The following is an entry in ClinVar:

ClinVar aggregate classification (germline): Likely pathogenic (1 of 4 stars; one submission).

Conditions:
Leukodystrophy, hypomyelinating, 8, with or without oligodontia and/or hypogonadotropic hypogonadism. Also called: LEUKODYSTROPHY, HYPOMYELINATING, 8, WITH HYPODONTIA AND HYPOGONADOTROPIC HYPOGONADISM; Hypomyelinating leukodystrophy 8 with or without oligodontia and-or hypogonadotropic hypogonadism; Endosteal sclerosis-cerebellar hypoplasia syndrome. Identifiers: Orphanet 85186, Orphanet 88637, MedGen C3280644, MONDO:0013722, OMIM 614381.

Submission:

3billion
Classification: Likely pathogenic for Leukodystrophy, hypomyelinating, 8, with or without oligodontia and/or hypogonadotropic hypogonadism. Last evaluated: 2025-12-10. Review status: criteria provided, single submitter. Criteria: ACMG Guidelines, 2015. Collection method: clinical testing. Allele origin: germline. Affected: yes.
Comment: The variant is not observed in the gnomAD v4.1.0 dataset. Predicted Consequence/Location: Frameshift: predicted to result in a loss or disruption of normal protein function through nonsense-mediated decay (NMD) or protein truncation. Multiple pathogenic variants are reported downstream of the variant. Therefore, this variant is classified as Likely pathogenic according to the recommendation of ACMG/AMP guideline.

NM_018082.6(POLR3B):c.2405del (p.Pro802fs)

Gene: POLR3B (RNA polymerase III subunit B; plus strand). Cytogenetic location: 12q23.3.
Variant type: Deletion.
Coding change: c.2405del on transcript NM_018082.6 (MANE Select); coding-DNA position 2405, one base deleted (C; older notation c.2405delC).
Protein change: p.Pro802fs; shifts the reading frame from proline 802.
Molecular consequence: frameshift variant.
Genome position (GRCh38, 1-based): chr12:106,457,249, C deleted; the last of 2 consecutive C bases (chr12:106,457,248-106,457,249); deleting either gives the same sequence. VCF-style (leftmost placement, unchanged base first): chr12-106457247-AC-A. GRCh37 (hg19) VCF-style: chr12-106851025-AC-A.
Other names: c.2231del, p.Pro744fs (NM_001160708.2); short protein forms P744fs, P802fs.
Identifiers: ClinVar variation 4855825 (VCV004855825.1).